The following is an entry in ClinVar:

ClinVar aggregate classification (germline): Pathogenic (1 of 4 stars; one submission).

Conditions:
Cutis laxa, autosomal recessive, type 1B (ARCL1B). Also called: CUTIS LAXA, AUTOSOMAL RECESSIVE, TYPE IB; EFEMP2-Related Cutis Laxa. Identifiers: Orphanet 90349, MedGen C3280798, MONDO:0013754, OMIM 614437. Disease mechanism: loss of function.

Submission:

Labcorp Genetics (formerly Invitae), Labcorp
Classification: Pathogenic for Cutis laxa, autosomal recessive, type 1B. Last evaluated: 2023-10-18. Review status: criteria provided, single submitter. Criteria: Invitae Variant Classification Sherloc (09022015). Collection method: clinical testing. Allele origin: germline.
Comment: This sequence change creates a premature translational stop signal (p.Tyr307Leufs*18) in the EFEMP2 gene. It is expected to result in an absent or disrupted protein product. Loss-of-function variants in EFEMP2 are known to be pathogenic (PMID: 17937443). This variant is not present in population databases (gnomAD no frequency). This variant has not been reported in the literature in individuals affected with EFEMP2-related conditions. For these reasons, this variant has been classified as Pathogenic.

Literature cited by the submitters: PubMed 17937443.

NM_016938.5(EFEMP2):c.917dup (p.Tyr307fs)

Gene: EFEMP2 (EGF-like fibulin extracellular matrix protein 2; minus strand). Cytogenetic location: 11q13.1.
Variant type: Duplication.
Coding change: c.917dup on transcript NM_016938.5 (MANE Select); coding-DNA position 917, one base duplicated (G; older notation c.917dupG).
Protein change: p.Tyr307fs; shifts the reading frame from tyrosine 307.
Molecular consequence: frameshift variant. On other transcripts: non-coding transcript variant (1).
Genome position (GRCh38, 1-based): chr11:65,868,352, C duplicated on the plus strand (G on the coding strand, the reverse complement: EFEMP2 is on the minus strand); the first of 5 consecutive C bases (chr11:65,868,352-65,868,356); duplicating any one gives the same sequence. VCF-style (leftmost placement, unchanged base first): chr11-65868351-G-GC. GRCh37 (hg19) VCF-style: chr11-65635822-G-GC.
Other names: short protein forms Y307fs.
Identifiers: ClinVar variation 2769959 (VCV002769959.3), dbSNP rs2495573872, ClinGen allele CA2697548680.